The following is an entry in ClinVar:

NM_005876.5(SPEG):c.6689C>T (p.Pro2230Leu)

Genes: ASIC4-AS1 (ASIC4 antisense RNA 1; minus strand), SPEG (striated muscle enriched protein kinase; plus strand). Cytogenetic location: 2q35.
Variant type: single nucleotide variant.
Coding change: c.6689C>T on transcript NM_005876.5 (MANE Select); coding-DNA position 6689, C replaced by T.
Protein change: p.Pro2230Leu; replaces proline 2230 with leucine.
Molecular consequence: missense variant.
Genome position (GRCh38, 1-based): chr2:219,484,152, C>T. VCF-style: chr2-219484152-C-T. GRCh37 (hg19) VCF-style: chr2-220348874-C-T.
Other names: c.6689C>T (NM_005876.4); short protein forms P2230L.
Identifiers: ClinVar variation 2384503 (VCV002384503.13), dbSNP rs753925040, ClinGen allele CA2127081.
Genomic context (GRCh38, chr2:219,484,152, plus strand): 5'-CTGCCCAAGACAAGGCTCCAGAGCCCAGGCCAGAACCAGTCCGAGCCTCCAAGCCTGCAC[C>T]ACCCCCCCAGGCCCTGCAAACCCTAGCGCTGCCCCTCACACCCTATGCTCAGATCATTCA-3'
Protein context (NP_005867.3, residues 2220-2240): PEPVRASKPA[Pro2230Leu]PPQALQTLAL

ClinVar aggregate classification (germline): Uncertain significance. Review status: criteria provided, multiple submitters, no conflicts (2 of 4 stars). 3 submissions from 3 submitters: Uncertain significance (3). Last evaluated 2025-03-01.

Conditions:
Inborn genetic diseases. Identifiers: MedGen C0950123, MeSH D030342.

Allele frequency attached by ClinVar (database versions not stated): gnomAD 0.00004; TOPMed 0.00005; gnomAD exomes 0.00009; ExAC 0.00010; 1000 Genomes Project 30x 0.00016.
gnomAD v4.1: 138 of 1,613,636 alleles (0.0086%); highest among the groups gnomAD compares: South Asian, 0.063%; no homozygotes.

Submissions (3):

CeGaT Center for Human Genetics Tuebingen
Classification: Uncertain significance. Last evaluated: 2025-03-01. Review status: criteria provided, single submitter. Criteria: CeGaT Center For Human Genetics Tuebingen Variant Classification Criteria Version 2. Collection method: clinical testing. Allele origin: germline. Affected: yes. Observed: 2 variant alleles.
Comment: SPEG: PM2, BP4

Labcorp Genetics (formerly Invitae), Labcorp
Classification: Uncertain significance. Last evaluated: 2024-06-30. Review status: criteria provided, single submitter. Criteria: Invitae Variant Classification Sherloc (09022015). Collection method: clinical testing. Allele origin: germline.
Comment: This sequence change replaces proline, which is neutral and non-polar, with leucine, which is neutral and non-polar, at codon 2230 of the SPEG protein (p.Pro2230Leu). This variant is present in population databases (rs753925040, gnomAD 0.05%). This variant has not been reported in the literature in individuals affected with SPEG-related conditions. ClinVar contains an entry for this variant (Variation ID: 2384503). An algorithm developed to predict the effect of missense changes on protein structure and function (PolyPhen-2) suggests that this variant¬†is likely to be tolerated. In summary, the available evidence is currently insufficient to determine the role of this variant in disease. Therefore, it has been classified as a Variant of Uncertain Significance.

Ambry Genetics
Classification: Uncertain significance for Inborn genetic diseases. Last evaluated: 2022-12-13. Review status: criteria provided, single submitter. Criteria: Ambry Variant Classification Scheme 2023. Collection method: clinical testing. Allele origin: germline.